The following is an entry in ClinVar:

NM_144997.7(FLCN):c.1627G>C (p.Glu543Gln)

Gene: FLCN (folliculin; minus strand). Cytogenetic location: 17p11.2.
Variant type: single nucleotide variant.
Coding change: c.1627G>C on transcript NM_144997.7 (MANE Select); coding-DNA position 1627, G replaced by C.
Protein change: p.Glu543Gln; replaces glutamic acid 543 with glutamine.
Molecular consequence: missense variant.
Genome position (GRCh38, 1-based): chr17:17,213,768, C>G on the plus strand (G>C on the coding strand, the complement: FLCN is on the minus strand). VCF-style: chr17-17213768-C-G. GRCh37 (hg19) VCF-style: chr17-17117082-C-G.
Other names: c.1681G>C, p.Glu561Gln (NM_001353229.2); c.1627G>C, p.Glu543Gln (NM_001353230.2, NM_001353231.2); short protein forms E543Q, E561Q.
Identifiers: ClinVar variation 2896183 (VCV002896183.5), dbSNP rs776389684, ClinGen allele CA398529989.
Genomic context (GRCh38, chr17:17,213,768, plus strand): 5'-ACTTGTAGGTCTTGCTCAGGCCAGTCATCCAGAACTTCAGCAGCTTGACATTGTCCTCCT[C>G]GGACGCACCCAGGATGCTCAGCAGCTTCTGTGTGTCCTCTTTGGGTCGACTGTCCACCTT-3'
Protein context (NP_659434.2, residues 533-553): QKLLSILGAS[Glu543Gln]EDNVKLLKFW

ClinVar aggregate classification (germline): Uncertain significance. Review status: criteria provided, multiple submitters, no conflicts (2 of 4 stars). 3 submissions from 3 submitters: Uncertain significance (3). Last evaluated 2024-12-12.

Conditions:
Hereditary cancer-predisposing syndrome. Also called: Neoplastic Syndromes, Hereditary; Tumor predisposition; Hereditary neoplastic syndrome; Hereditary Cancer Syndrome. Identifiers: Orphanet 140162, MedGen C0027672, MeSH D009386, MONDO:0015356.
Birt-Hogg-Dube syndrome 1 (BHD1). Also called: FIBROFOLLICULOMAS WITH TRICHODISCOMAS AND ACROCHORDONS. Identifiers: Orphanet 122, MedGen CN375946, MONDO:0800445, OMIM 135150.
Birt-Hogg-Dube syndrome. Also called: Birt Hogg Dubé syndrome. Identifiers: Orphanet 122, MedGen C0346010, MONDO:0800444.

Submissions (3):

Ambry Genetics
Classification: Uncertain significance for Hereditary cancer-predisposing syndrome. Last evaluated: 2024-12-12. Review status: criteria provided, single submitter. Criteria: Ambry Variant Classification Scheme 2023. Collection method: clinical testing. Allele origin: germline.
Comment: The p.E543Q variant (also known as c.1627G>C), located in coding exon 11 of the FLCN gene, results from a G to C substitution at nucleotide position 1627. The glutamic acid at codon 543 is replaced by glutamine, an amino acid with highly similar properties. This amino acid position is conserved. In addition, the in silico prediction for this alteration is inconclusive. Based on the available evidence, the clinical significance of this variant remains unclear.

Baylor Genetics
Classification: Uncertain significance for Birt-Hogg-Dube syndrome 1. Last evaluated: 2024-01-20. Review status: criteria provided, single submitter. Criteria: ACMG Guidelines, 2015. Collection method: clinical testing. Allele origin: unknown.

Labcorp Genetics (formerly Invitae), Labcorp
Classification: Uncertain significance for Birt-Hogg-Dube syndrome. Last evaluated: 2024-01-18. Review status: criteria provided, single submitter. Criteria: Invitae Variant Classification Sherloc (09022015). Collection method: clinical testing. Allele origin: germline.
Comment: This sequence change replaces glutamic acid, which is acidic and polar, with glutamine, which is neutral and polar, at codon 543 of the FLCN protein (p.Glu543Gln). This variant is not present in population databases (gnomAD no frequency). This variant has not been reported in the literature in individuals affected with FLCN-related conditions. Advanced modeling of protein sequence and biophysical properties (such as structural, functional, and spatial information, amino acid conservation, physicochemical variation, residue mobility, and thermodynamic stability) performed at Invitae indicates that this missense variant is not expected to disrupt FLCN protein function with a negative predictive value of 80%. In summary, the available evidence is currently insufficient to determine the role of this variant in disease. Therefore, it has been classified as a Variant of Uncertain Significance.